The following is an entry in ClinVar:

ClinVar aggregate classification (germline): Uncertain significance (1 of 4 stars; one submission).

gnomAD v4.1: 5 of 1,613,964 alleles (0.00031%); highest among the groups gnomAD compares: Non-Finnish European, 0.00042%; no homozygotes.

Submission:

Women's Health and Genetics/Laboratory Corporation of America, LabCorp
Classification: Uncertain significance. Last evaluated: 2025-12-04. Review status: criteria provided, single submitter. Criteria: LabCorp Variant Classification Summary - May 2015. Collection method: clinical testing. Allele origin: germline.
Comment: Variant summary: HLCS c.1532A>G (p.Asn511Ser) results in a conservative amino acid change in the encoded protein sequence. Algorithms developed to predict the effect of missense changes on protein structure and function are either unavailable or do not agree on the potential impact of this missense change. The variant allele was found at a frequency of 4e-06 in 251426 control chromosomes. The available data on variant occurrences in the general population are insufficient to allow any conclusion about variant significance. To our knowledge, no occurrence of c.1532A>G in individuals affected with HLCS-related conditions and no experimental evidence demonstrating its impact on protein function have been reported. No submitters have cited clinical-significance assessments for this variant to ClinVar. Based on the evidence outlined above, the variant was classified as uncertain significance.

NM_001352514.2(HLCS):c.1973A>G (p.Asn658Ser)

Gene: HLCS (holocarboxylase synthetase; minus strand). Cytogenetic location: 21q22.13.
Variant type: single nucleotide variant.
Coding change: c.1973A>G on transcript NM_001352514.2 (MANE Select); coding-DNA position 1973, A replaced by G.
Protein change: p.Asn658Ser; replaces asparagine 658 with serine.
Molecular consequence: missense variant. On other transcripts: non-coding transcript variant (2).
Genome position (GRCh38, 1-based): chr21:36,765,160, T>C on the plus strand (A>G on the coding strand, the complement: HLCS is on the minus strand). VCF-style: chr21-36765160-T-C. GRCh37 (hg19) VCF-style: chr21-38137461-T-C.
Other names: c.1532A>G, p.Asn511Ser (NM_000411.8, NM_001242784.3, NM_001242785.2 and 4 more transcripts); short protein forms N511S, N658S.
Identifiers: ClinVar variation 4688564 (VCV004688564.1).